The following is an entry in ClinVar:

ClinVar aggregate classification (germline): Uncertain significance (1 of 4 stars; one submission).

Conditions:
Marfan syndrome (MFS). Also called: MARFAN SYNDROME, TYPE I; Marfan syndrome type 1; Marfan's syndrome; FBN1-Related Marfan Syndrome; Marfan syndrome, classic. Identifiers: Orphanet 284963, Orphanet 558, MedGen C0024796, MONDO:0007947, OMIM 154700.

Submission:

Institute of Human Genetics, University of Leipzig Medical Center
Classification: Uncertain significance for Marfan syndrome. Last evaluated: 2024-09-19. Review status: criteria provided, single submitter. Criteria: ACMG Guidelines, 2015. Collection method: clinical testing. Allele origin: unknown. Inheritance: Autosomal dominant inheritance. Affected: yes.
Comment: Criteria applied: PM2,PS4_SUP,PP4

NM_000138.5(FBN1):c.5792_5794del (p.Val1931del)

Gene: FBN1 (fibrillin 1; minus strand). Cytogenetic location: 15q21.1.
Variant type: Deletion.
Coding change: c.5792_5794del on transcript NM_000138.5 (MANE Select); coding-DNA positions 5792 to 5794, 3 bases deleted (TTG; older notation c.5792_5794delTTG).
Protein change: p.Val1931del; deletes valine 1931.
Genome position (GRCh38, 1-based): chr15:48,445,499-48,445,501, CAA deleted on the plus strand (TTG on the coding strand, the reverse complement: FBN1 is on the minus strand); deleting any 3 consecutive bases within chr15:48,445,499-48,445,503 gives the same sequence; the c. name uses the placement nearest the transcript's 3' end. VCF-style (leftmost placement, unchanged base first): chr15-48445498-TCAA-T. GRCh37 (hg19) VCF-style: chr15-48737695-TCAA-T.
Other names: c.5792_5794del, p.Val1931del (NM_001406716.1); short protein forms V1931del.
Identifiers: ClinVar variation 3359107 (VCV003359107.2).